The following is an entry in ClinVar:

NM_003242.6(TGFBR2):c.261A>C (p.Val87=)

Gene: TGFBR2 (transforming growth factor beta receptor 2; plus strand). Cytogenetic location: 3p24.1.
Variant type: single nucleotide variant.
Coding change: c.261A>C on transcript NM_003242.6 (MANE Select); coding-DNA position 261, A replaced by C.
Protein change: p.Val87=; no amino-acid change (valine 87 retained).
Molecular consequence: synonymous variant. On other transcripts: intron variant (2).
Genome position (GRCh38, 1-based): chr3:30,644,913, A>C. VCF-style: chr3-30644913-A-C. GRCh37 (hg19) VCF-style: chr3-30686405-A-C.
Other names: c.336A>C, p.Val112= (NM_001024847.3, NM_001407126.1, NM_001407139.1); c.261A>C, p.Val87= (NM_001407127.1, NM_001407130.1); c.288A>C, p.Val96= (NM_001407128.1); c.156A>C, p.Val52= (NM_001407129.1, NM_001407132.1, NM_001407133.1 and 3 more transcripts); c.169+21640A>C (NM_001407137.1); c.95-26725A>C (NM_001407138.1).
Identifiers: ClinVar variation 3220876 (VCV003220876.1), dbSNP rs1266465311, ClinGen allele CA432917373.

ClinVar aggregate classification (germline): Likely benign (1 of 4 stars; one submission).

Conditions:
Diabetic retinopathy. Identifiers: MedGen C0011884, MONDO:0005266.

Submission:

Clinical Genomics, Uppaluri K&H Personalized Medicine Clinic
Classification: Likely benign for Diabetic retinopathy. Review status: criteria provided, single submitter. Criteria: K And H Uppaluri Personalized Medicine Clinic Variant Classification And Assertion Criteria Updated V 2. Collection method: research. Allele origin: unknown.
Comment: Potent mutations in TGFBR2 gene encodes the transforming growth factor that have been associated with angiogenesis and diabetic retinopathy. More clinical studies are needed for stronger association. However, more evidence is required to confer the association of this particular variant rs1266465311 with diabetic retinopathy.

Literature cited by the submitters: PubMed 30222965; PubMed 28162229; PubMed 34572573.